The following is an entry in ClinVar:

NM_000053.4(ATP7B):c.994G>A (p.Glu332Lys)

Gene: ATP7B (ATPase copper transporting beta; minus strand). Cytogenetic location: 13q14.3.
Variant type: single nucleotide variant.
Coding change: c.994G>A on transcript NM_000053.4 (MANE Select); coding-DNA position 994, G replaced by A.
Protein change: p.Glu332Lys; replaces glutamic acid 332 with lysine.
Molecular consequence: missense variant. On other transcripts: intron variant (1).
Genome position (GRCh38, 1-based): chr13:51,974,226, C>T on the plus strand (G>A on the coding strand, the complement: ATP7B is on the minus strand). VCF-style: chr13-51974226-C-T. GRCh37 (hg19) VCF-style: chr13-52548362-C-T.
Other names: c.994G>A, p.Glu332Lys (NM_001005918.3, NM_001330578.2, NM_001330579.2); c.803-142G>A (NM_001243182.2); short protein forms E332K.
Identifiers: ClinVar variation 1419783 (VCV001419783.28), dbSNP rs761084829, ClinGen allele CA6989459.

ClinVar aggregate classification (germline): Uncertain significance. Review status: criteria provided, multiple submitters, no conflicts (2 of 4 stars). 2 submissions from 2 submitters: Uncertain significance (2). Last evaluated 2022-12-01.

Conditions:
Wilson disease (WND). Also called: Wilson's disease. Identifiers: Orphanet 905, MedGen C0019202, MONDO:0010200, OMIM 277900. Disease mechanism: loss of function.

Allele frequency attached by ClinVar (database versions not stated): gnomAD 0.00001; gnomAD exomes 0.00001; ExAC 0.00002; TOPMed 0.00003.

Submissions (2):

CeGaT Center for Human Genetics Tuebingen
Classification: Uncertain significance. Last evaluated: 2022-12-01. Review status: criteria provided, single submitter. Criteria: CeGaT Center For Human Genetics Tuebingen Variant Classification Criteria Version 2. Collection method: clinical testing. Allele origin: germline. Affected: yes. Observed: 1 variant allele.
Comment: ATP7B: PM2

Labcorp Genetics (formerly Invitae), Labcorp
Classification: Uncertain significance for Wilson disease. Last evaluated: 2022-08-19. Review status: criteria provided, single submitter. Criteria: Invitae Variant Classification Sherloc (09022015). Collection method: clinical testing. Allele origin: germline.
Comment: This sequence change replaces glutamic acid, which is acidic and polar, with lysine, which is basic and polar, at codon 332 of the ATP7B protein (p.Glu332Lys). The frequency data for this variant in the population databases is considered unreliable, as metrics indicate poor data quality at this position in the gnomAD database. This variant has not been reported in the literature in individuals affected with ATP7B-related conditions. ClinVar contains an entry for this variant (Variation ID: 1419783). Advanced modeling of protein sequence and biophysical properties (such as structural, functional, and spatial information, amino acid conservation, physicochemical variation, residue mobility, and thermodynamic stability) performed at Invitae indicates that this missense variant is not expected to disrupt ATP7B protein function. In summary, the available evidence is currently insufficient to determine the role of this variant in disease. Therefore, it has been classified as a Variant of Uncertain Significance.